The following is an entry in ClinVar:

ClinVar aggregate classification (germline): Pathogenic. Review status: criteria provided, multiple submitters, no conflicts (2 of 4 stars). 2 submissions from 2 submitters: Pathogenic (2). Last evaluated 2023-09-23.

Conditions:
Hereditary spastic paraplegia 4. Also called: Familial spastic paraplegia autosomal dominant 2; Spastic Paraplegia 4; Spastic paraplegia 4, autosomal dominant. Identifiers: Orphanet 100985, MedGen C1866855, MONDO:0008438, OMIM 182601.

Submissions (2):

Labcorp Genetics (formerly Invitae), Labcorp
Classification: Pathogenic for Hereditary spastic paraplegia 4. Last evaluated: 2023-09-23. Review status: criteria provided, single submitter. Criteria: Invitae Variant Classification Sherloc (09022015). Collection method: clinical testing. Allele origin: germline.
Comment: ClinVar contains an entry for this variant (Variation ID: 805506). For these reasons, this variant has been classified as Pathogenic. Algorithms developed to predict the effect of sequence changes on RNA splicing suggest that this variant may disrupt the consensus splice site. Disruption of this splice site has been observed in individuals with hereditary spastic paraplegia (PMID: 18701882, 20562464, 21546041). This variant is not present in population databases (gnomAD no frequency). This sequence change affects an acceptor splice site in intron 8 of the SPAST gene. It is expected to disrupt RNA splicing. Variants that disrupt the donor or acceptor splice site typically lead to a loss of protein function (PMID: 16199547), and loss-of-function variants in SPAST are known to be pathogenic (PMID: 20932283).

Athena Diagnostics
Classification: Pathogenic. Last evaluated: 2018-12-26. Review status: criteria provided, single submitter. Criteria: Athena Diagnostics Criteria. Collection method: clinical testing. Allele origin: germline.
Comment: The variant disrupts a canonical splice site, and is therefore predicted to result in the loss of a functional protein. Found in at least one symptomatic patient, and not found in general population data.

Literature cited by the submitters: PubMed 18701882 (cited by Labcorp Genetics (formerly Invitae), Labcorp); PubMed 20562464 (cited by Labcorp Genetics (formerly Invitae), Labcorp); PubMed 21546041 (cited by Labcorp Genetics (formerly Invitae), Labcorp); PubMed 16199547 (cited by Labcorp Genetics (formerly Invitae), Labcorp); PubMed 20932283 (cited by Labcorp Genetics (formerly Invitae), Labcorp); PubMed 20214791 (cited by Athena Diagnostics).

NM_014946.4(SPAST):c.1174-1G>C

Gene: SPAST (spastin; plus strand). Cytogenetic location: 2p22.3.
Variant type: single nucleotide variant.
Coding change: c.1174-1G>C on transcript NM_014946.4 (MANE Select); the canonical splice acceptor site of the intron before coding-DNA position 1174, G replaced by C.
Molecular consequence: splice acceptor variant.
Genome position (GRCh38, 1-based): chr2:32,128,407, G>C. VCF-style: chr2-32128407-G-C. GRCh37 (hg19) VCF-style: chr2-32353476-G-C.
Other names: c.1078-1G>C (NM_199436.2, NM_001377959.1); c.1171-1G>C (NM_001363823.2); c.1075-1G>C (NM_001363875.2).
Identifiers: ClinVar variation 805506 (VCV000805506.4), dbSNP rs1553317024, ClinGen allele CA346501356.
Genomic context (GRCh38, chr2:32,128,407, plus strand): 5'-GGTTATCTTTTAAATGTAATATATTGAACTAATTTAATATTTGCTCTTGTGATTTTTAAA[G>C]GCTAAAGCAGTAGCTGCAGAATCGAATGCAACCTTCTTTAATATAAGTGCTGCAAGTTTA-3'